The following is an entry in ClinVar:

NM_005476.7(GNE):c.1730C>G (p.Pro577Arg)

Gene: GNE (glucosamine (UDP-N-acetyl)-2-epimerase/N-acetylmannosamine kinase; minus strand). Cytogenetic location: 9p13.3.
Variant type: single nucleotide variant.
Coding change: c.1730C>G on transcript NM_005476.7 (MANE Select); coding-DNA position 1730, C replaced by G.
Protein change: p.Pro577Arg; replaces proline 577 with arginine.
Molecular consequence: missense variant.
Genome position (GRCh38, 1-based): chr9:36,219,924, G>C on the plus strand (C>G on the coding strand, the complement: GNE is on the minus strand). VCF-style: chr9-36219924-G-C. GRCh37 (hg19) VCF-style: chr9-36219921-G-C.
Other names: c.1823C>G, p.Pro608Arg (NM_001128227.3); c.1508C>G, p.Pro503Arg (NM_001190383.3); c.1400C>G, p.Pro467Arg (NM_001190384.3); c.1553C>G, p.Pro518Arg (NM_001190388.2, NM_001374798.1); c.1577C>G, p.Pro526Arg (NM_001374797.1); short protein forms P467R, P503R, P518R, P526R, P577R, P608R.
Identifiers: ClinVar variation 941978 (VCV000941978.8), dbSNP rs1828512489, ClinGen allele CA373425658.
Genomic context (GRCh38, chr9:36,219,924, plus strand): 5'-TGCAAGGCCATTCCAGAGGCGTATGCTTCAATGCACCCATGGCTTCCACAGGAACAATCA[G>C]GCCCATCCAGAGACACAACAAGGTGGCCCAGTTCTGCAGCACAGAAGGAGCTTCCGTGGA-3'
Protein context (NP_005467.1, residues 567-587): LGHLVVSLDG[Pro577Arg]DCSCGSHGCI

ClinVar aggregate classification (germline): Conflicting classifications of pathogenicity. Review status: criteria provided, conflicting classifications (1 of 4 stars). 2 submissions from 2 submitters: Likely pathogenic (1); Uncertain significance (1). Last evaluated 2025-11-13.

Conditions:
GNE myopathy (NM). Also called: MYOPATHY, DISTAL, WITH OR WITHOUT RIMMED VACUOLES; IBM 2; Inclusion body myopathy autosomal recessive; Inclusion body myopathy quadriceps sparing; NONAKA DISTAL MYOPATHY; INCLUSION BODY MYOPATHY, HEREDITARY, AUTOSOMAL RECESSIVE. Identifiers: Orphanet 602, MedGen C1853926, MONDO:0011603, OMIM 605820.
Sialuria. Also called: SIALURIA, FRENCH TYPE; Sialic Acid Storage Disease. Identifiers: Orphanet 3166, MedGen C0342853, MONDO:0010028, OMIM 269921.

Submissions (2):

Natera, Inc.
Classification: Likely pathogenic for Nonaka myopathy. Last evaluated: 2025-11-13. Review status: criteria provided, single submitter. Criteria: Natera Variant Classification Schema (03/2026). Collection method: clinical testing. Allele origin: germline.
Comment: The c.1823C>G variant in GNE is a missense variant predicted to cause substitution of proline to arginine at amino acid 608. This variant is rare in the general population with a frequency below the threshold expected for the associated phenotype(s). This variant has been observed in one or more individuals affected with the associated recessive disease, as either homozygous or compound heterozygous with a second variant (PMID: 39213088). A different variant at the same position has been determined to be Pathogenic or Likely Pathogenic. Computational prediction algorithms indicate this variant is likely to affect gene or protein function. Given the available evidence, this variant is classified as Likely Pathogenic.

Labcorp Genetics (formerly Invitae), Labcorp
Classification: Uncertain significance for Sialuria; GNE myopathy. Last evaluated: 2022-02-03. Review status: criteria provided, single submitter. Criteria: Invitae Variant Classification Sherloc (09022015). Collection method: clinical testing. Allele origin: germline.
Comment: This sequence change replaces proline, which is neutral and non-polar, with arginine, which is basic and polar, at codon 608 of the GNE protein (p.Pro608Arg). This variant is not present in population databases (gnomAD no frequency). This variant has not been reported in the literature in individuals affected with GNE-related conditions. ClinVar contains an entry for this variant (Variation ID: 941978). Algorithms developed to predict the effect of missense changes on protein structure and function (SIFT, PolyPhen-2, Align-GVGD) all suggest that this variant is likely to be disruptive. In summary, the available evidence is currently insufficient to determine the role of this variant in disease. Therefore, it has been classified as a Variant of Uncertain Significance.

Literature cited by the submitters: PubMed 39213088 (cited by Natera, Inc.).